The following is an entry in ClinVar:

ClinVar aggregate classification (germline): Likely benign (0 of 4 stars; one submission).

Conditions:
PLXNA1-related disorder. Also called: PLXNA1-related condition.

Allele frequency attached by ClinVar (database versions not stated): ExAC 0.00005; gnomAD 0.00007; ESP Exome Variant Server 0.00008; TOPMed 0.00009; gnomAD exomes 0.00016.

Submission:

PreventionGenetics, part of Exact Sciences
Classification: Likely benign for PLXNA1-related condition. Last evaluated: 2022-02-08. Review status: no assertion criteria provided. Collection method: clinical testing. Allele origin: germline.
Comment: This variant is classified as likely benign based on ACMG/AMP sequence variant interpretation guidelines (Richards et al. 2015 PMID: 25741868, with internal and published modifications).

NM_032242.4(PLXNA1):c.447G>A (p.Leu149=)

Gene: PLXNA1 (plexin A1; plus strand). Cytogenetic location: 3q21.3.
Variant type: single nucleotide variant.
Coding change: c.447G>A on transcript NM_032242.4 (MANE Select); coding-DNA position 447, G replaced by A.
Protein change: p.Leu149=; no amino-acid change (leucine 149 retained).
Molecular consequence: synonymous variant.
Genome position (GRCh38, 1-based): chr3:126,989,040, G>A. VCF-style: chr3-126989040-G-A. GRCh37 (hg19) VCF-style: chr3-126707883-G-A.
Identifiers: ClinVar variation 3057655 (VCV003057655.2), dbSNP rs376171292, ClinGen allele CA2592984.